The following is an entry in ClinVar:

NM_005912.3(MC4R):c.221A>T (p.Asn74Ile)

Gene: MC4R (melanocortin 4 receptor; minus strand). Cytogenetic location: 18q21.32.
Variant type: single nucleotide variant.
Coding change: c.221A>T on transcript NM_005912.3 (MANE Select); coding-DNA position 221, A replaced by T.
Protein change: p.Asn74Ile; replaces asparagine 74 with isoleucine.
Molecular consequence: missense variant.
Genome position (GRCh38, 1-based): chr18:60,372,129, T>A on the plus strand (A>T on the coding strand, the complement: MC4R is on the minus strand). VCF-style: chr18-60372129-T-A. GRCh37 (hg19) VCF-style: chr18-58039362-T-A.
Other names: c.221A>T (NM_005912.2); short protein forms N74I.
Identifiers: ClinVar variation 1803919 (VCV001803919.2), dbSNP rs2511560733, ClinGen allele CA402720278.

ClinVar aggregate classification (germline): Uncertain significance. Review status: criteria provided, single submitter (1 of 4 stars). 2 submissions from 2 submitters: Uncertain significance (1). 1 of the submissions does not count toward it. Last evaluated 2021-02-09.

Conditions:
MC4R-related disorder. Also called: MC4R-related condition.
BODY MASS INDEX QUANTITATIVE TRAIT LOCUS 20 (BMIQ20). Also called: MELANOCORTIN 4 RECEPTOR DEFICIENCY; MC4R DEFICIENCY. Identifiers: MedGen C4759928, OMIM 618406.

Submissions (2):

New York Genome Center
Classification: Uncertain significance for BODY MASS INDEX QUANTITATIVE TRAIT LOCUS 20. Last evaluated: 2021-02-09. Review status: criteria provided, single submitter. Criteria: NYGC Assertion Criteria 2020. Collection method: clinical testing. Allele origin: germline. Observed: 1 heterozygote.
Comment: The heterozygousc.221A>T (p.Asn74Ile) missense variant identified in the MC4R gene has not been reported in affected individuals in the literature. The variant is absent from gnomAD(v3) database suggesting it is an extremely rare allele in the populations represented in that database. The variant affects an evolutionarily conserved residue and is predicted deleterious by multiple in silico prediction tools (CADD score= 27.1, REVEL score= 0.61). Functional studies to evaluate the potential pathogenicity of this variant have not been reported in the literature. Based on the available evidence, the heterozygousc.221A>T (p.Asn74Ile) variant identified in the MC4R gene is reported as a variant of uncertain significance.

PreventionGenetics, part of Exact Sciences
Classification: Uncertain significance for MC4R-related condition. Last evaluated: 2024-05-15. Review status: no assertion criteria provided. Collection method: clinical testing. Allele origin: germline. Not counted in ClinVar's aggregate classification.
Comment: The MC4R c.221A>T variant is predicted to result in the amino acid substitution p.Asn74Ile. To our knowledge, this variant has not been reported in the literature or in a large population database, indicating this variant is rare. At this time, the clinical significance of this variant is uncertain due to the absence of conclusive functional and genetic evidence.